The following is an entry in ClinVar:

NM_018089.3(ANKZF1):c.437G>A (p.Arg146Gln)

Gene: ANKZF1 (ankyrin repeat and zinc finger peptidyl tRNA hydrolase 1; plus strand). Cytogenetic location: 2q35.
Variant type: single nucleotide variant.
Coding change: c.437G>A on transcript NM_018089.3 (MANE Select); coding-DNA position 437, G replaced by A.
Protein change: p.Arg146Gln; replaces arginine 146 with glutamine.
Molecular consequence: missense variant. On other transcripts: 5 prime UTR variant (1).
Genome position (GRCh38, 1-based): chr2:219,232,562, G>A. VCF-style: chr2-219232562-G-A. GRCh37 (hg19) VCF-style: chr2-220097284-G-A.
Other names: c.437G>A, p.Arg146Gln (NM_001042410.2); c.-194G>A (NM_001282792.2); c.437G>A (NM_018089.2); short protein forms R146Q.
Identifiers: ClinVar variation 1022186 (VCV001022186.7), dbSNP rs202012817, ClinGen allele CA2120753.

ClinVar aggregate classification (germline): Conflicting classifications of pathogenicity. Review status: criteria provided, conflicting classifications (1 of 4 stars). 2 submissions from 2 submitters: Uncertain significance (1); Likely benign (1). Last evaluated 2026-01-26.

Allele frequency attached by ClinVar (database versions not stated): ExAC 0.00017; gnomAD exomes 0.00022; gnomAD 0.00027 and 0.00028; TOPMed 0.00031; ESP Exome Variant Server 0.00033.
gnomAD v4.1: 786 of 1,614,062 alleles (0.049%); highest among the groups gnomAD compares: Non-Finnish European, 0.063%; no homozygotes.

Submissions (2):

Labcorp Genetics (formerly Invitae), Labcorp
Classification: Uncertain significance. Last evaluated: 2026-01-26. Review status: criteria provided, single submitter. Criteria: Invitae Variant Classification Sherloc (09022015). Collection method: clinical testing. Allele origin: germline.
Comment: This sequence change replaces arginine, which is basic and polar, with glutamine, which is neutral and polar, at codon 146 of the ANKZF1 protein (p.Arg146Gln). This variant is present in population databases (rs202012817, gnomAD 0.04%). This variant has not been reported in the literature in individuals affected with ANKZF1-related conditions. ClinVar contains an entry for this variant (Variation ID: 1022186). An algorithm developed to predict the effect of missense changes on protein structure and function outputs the following: PolyPhen-2: "Benign". The glutamine amino acid residue is found in multiple mammalian species, which suggests that this missense change does not adversely affect protein function. In summary, the available evidence is currently insufficient to determine the role of this variant in disease. Therefore, it has been classified as a Variant of Uncertain Significance.

Ambry Genetics
Classification: Likely benign. Last evaluated: 2021-08-17. Review status: criteria provided, single submitter. Criteria: Ambry Variant Classification Scheme 2023. Collection method: clinical testing. Allele origin: germline.